The following is an entry in ClinVar:

NM_014244.5(ADAMTS2):c.*853G>T

Gene: ADAMTS2 (ADAM metallopeptidase with thrombospondin type 1 motif 2; minus strand). Cytogenetic location: 5q35.3.
Variant type: single nucleotide variant.
Coding change: c.*853G>T on transcript NM_014244.5 (MANE Select); 853 bases downstream of the stop codon, G replaced by T.
Molecular consequence: 3 prime UTR variant.
Genome position (GRCh38, 1-based): chr5:179,113,014, C>A on the plus strand (G>T on the coding strand, the complement: ADAMTS2 is on the minus strand). VCF-style: chr5-179113014-C-A. GRCh37 (hg19) VCF-style: chr5-178540015-C-A.
Identifiers: ClinVar variation 353070 (VCV000353070.5), dbSNP rs17666900, ClinGen allele CA10624362.

ClinVar aggregate classification (germline): Benign (1 of 4 stars; one submission).

Conditions:
Ehlers-Danlos syndrome, dermatosparaxis type. Also called: EDS VIIC; Dermatosparaxis; Ehlers-Danlos syndrome, type VII, autosomal recessive. Identifiers: Orphanet 1901, MedGen C2700425, MONDO:0009161, OMIM 225410.

Allele frequency attached by ClinVar (database versions not stated): 1000 Genomes Project 30x 0.05262; 1000 Genomes Project 0.05371; TOPMed 0.08809; gnomAD 0.09611 and 0.09770.

Submission:

Illumina Laboratory Services, Illumina
Classification: Benign for Ehlers-Danlos syndrome, dermatosparaxis type. Last evaluated: 2018-01-13. Review status: criteria provided, single submitter. Criteria: ICSL Variant Classification Criteria 13 December 2019. Collection method: clinical testing. Allele origin: germline.
Comment: This variant was observed in the ICSL laboratory as part of a predisposition screen in an ostensibly healthy population. It had not been previously curated by ICSL or reported in the Human Gene Mutation Database (HGMD: prior to June 1st, 2018), and was therefore a candidate for classification through an automated scoring system. Utilizing variant allele frequency, disease prevalence and penetrance estimates, and inheritance mode, an automated score was calculated to assess if this variant is too frequent to cause the disease. Based on the score and internal cut-off values, a variant classified as benign is not then subjected to further curation. The score for this variant resulted in a classification of benign for this disease.